The following is an entry in ClinVar:

ClinVar aggregate classification (germline): Uncertain significance (1 of 4 stars; one submission).

Conditions:
Developmental and epileptic encephalopathy, 27 (DEE27). Also called: Epileptic encephalopathy, early infantile, 27; GRIN2B-Related Neurodevelopmental Disorder. Identifiers: Orphanet 3451, MedGen C4015316, MONDO:0014505, OMIM 616139.
Intellectual developmental disorder, autosomal dominant 6, with or without seizures. Also called: Intellectual disability, autosomal dominant 6; GRIN2B-related developmental delay, intellectual disability and autism spectrum disorder. Identifiers: Orphanet 589547, MedGen C3151411, MONDO:0013509, OMIM 613970.

Submission:

Juno Genomics, Hangzhou Juno Genomics, Inc
Classification: Uncertain significance for Developmental and epileptic encephalopathy, 27; Intellectual developmental disorder, autosomal dominant 6, with or without seizures. Review status: criteria provided, single submitter. Criteria: ACMG Guidelines, 2015. Collection method: clinical testing. Allele origin: germline.
Comment: Absent from controls (or at extremely low frequency if recessive) in Genome Aggregation Database.;Null variant in a gene where loss of function (LOF) is a known mechanism of disease.

NM_000834.5(GRIN2B):c.2599-1G>T

Gene: GRIN2B (glutamate ionotropic receptor NMDA type subunit 2B; minus strand). Cytogenetic location: 12p13.1.
Variant type: single nucleotide variant.
Coding change: c.2599-1G>T on transcript NM_000834.5 (MANE Select); the canonical splice acceptor site of the intron before coding-DNA position 2599, G replaced by T.
Molecular consequence: splice acceptor variant.
Genome position (GRCh38, 1-based): chr12:13,564,640, C>A on the plus strand (G>T on the coding strand, the complement: GRIN2B is on the minus strand). VCF-style: chr12-13564640-C-A. GRCh37 (hg19) VCF-style: chr12-13717574-C-A.
Other names: c.2599-1G>T (NM_001413992.1).
Identifiers: ClinVar variation 5019603 (VCV005019603.2).
Genomic context (GRCh38, chr12:13,564,640, plus strand): 5'-GGAGTTCATTACAGACTGGCGCTCCTCGATCGCCACCCCATGGATGCAGCTGTAGATACC[C>A]TGAAGCAAGAATGGAGGGACAGGTTAGATCTCCAGAGAGGCTAGAAATGACCACAAAAAA-3'